The following is an entry in ClinVar:

NM_015267.4(CUX2):c.2719_2721del (p.Glu907del)

Gene: CUX2 (cut like homeobox 2; plus strand). Cytogenetic location: 12q24.12.
Variant type: Deletion.
Coding change: c.2719_2721del on transcript NM_015267.4 (MANE Select); coding-DNA positions 2719 to 2721, 3 bases deleted (GAG; older notation c.2719_2721delGAG).
Protein change: p.Glu907del; deletes glutamic acid 907.
Molecular consequence: inframe deletion.
Genome position (GRCh38, 1-based): chr12:111,320,728-111,320,730, GAG deleted; deleting any 3 consecutive bases within chr12:111,320,726-111,320,730 gives the same sequence; the c. name uses the placement nearest the transcript's 3' end. VCF-style (leftmost placement, unchanged base first): chr12-111320725-AAGG-A. GRCh37 (hg19) VCF-style: chr12-111758529-AAGG-A.
Other names: c.2533_2535del, p.Glu845del (NM_001370598.1); short protein forms E845del, E907del.
Identifiers: ClinVar variation 4879794 (VCV004879794.1).

ClinVar aggregate classification (germline): Uncertain significance (1 of 4 stars; one submission).

Conditions:
Developmental and epileptic encephalopathy, 67. Also called: EPILEPTIC ENCEPHALOPATHY, EARLY INFANTILE, 67. Identifiers: MedGen C4748341, MONDO:0029138, OMIM 618141.

Submission:

Victorian Clinical Genetics Services, Murdoch Childrens Research Institute
Classification: Uncertain significance for Developmental and epileptic encephalopathy, 67. Last evaluated: 2026-04-09. Review status: criteria provided, single submitter. Criteria: ACMG Guidelines, 2015. Collection method: clinical testing. Allele origin: germline. Affected: yes.
Comment: This variant is classified as VUS-3A. Evidence in support of pathogenic classification: In-frame deletion in a non-repetitive region that has high conservation; Variant is absent from gnomAD (v2, v3 and v4). Additional information: This variant is heterozygous; This gene is associated with autosomal dominant disease; This variant has no previous evidence of pathogenicity; No published evidence of segregation with disease has been identified for this variant; No published functional evidence has been identified for this variant; No comparable in-frame deletion variants have previous evidence for pathogenicity; Variant is located in the annotated CUT domain (DECIPHER); The mechanism of disease for this gene is not clearly established; Inheritance information for this variant is not currently available in this individual.